The following is an entry in ClinVar:

NM_022725.4(FANCF):c.206A>T (p.Glu69Val)

Gene: FANCF (FA complementation group F; minus strand). Cytogenetic location: 11p14.3.
Variant type: single nucleotide variant.
Coding change: c.206A>T on transcript NM_022725.4 (MANE Select); coding-DNA position 206, A replaced by T.
Protein change: p.Glu69Val; replaces glutamic acid 69 with valine.
Molecular consequence: missense variant.
Genome position (GRCh38, 1-based): chr11:22,625,605, T>A on the plus strand (A>T on the coding strand, the complement: FANCF is on the minus strand). VCF-style: chr11-22625605-T-A. GRCh37 (hg19) VCF-style: chr11-22647151-T-A.
Other names: short protein forms E69V.
Identifiers: ClinVar variation 4723633 (VCV004723633.1).
Genomic context (GRCh38, chr11:22,625,605, plus strand): 5'-CAGTGACCGAGGGCCTGGAAGTTCGCTAATCCCGGAACTGGACCCCGCCCAAAGCCGCCC[T>A]CTTGCCTCCACTGGTTGTGCAGCCGCCGCTCCAGAGCCGTGCGAATGGGGCCATGCCGAC-3'
Protein context (NP_073562.1, residues 59-79): ERRLHNQWRQ[Glu69Val]GGFGRGPVPG

ClinVar aggregate classification (germline): Uncertain significance (1 of 4 stars; one submission).

Conditions:
Fanconi anemia (FA). Also called: Fanconi's anemia. Identifiers: Orphanet 84, MedGen C0015625, MeSH D005199, MONDO:0019391.

gnomAD v4.1: 6 of 1,613,786 alleles (0.00037%); highest among the groups gnomAD compares: Middle Eastern, 0.016%; no homozygotes.

Submission:

Labcorp Genetics (formerly Invitae), Labcorp
Classification: Uncertain significance for Fanconi anemia. Last evaluated: 2025-10-14. Review status: criteria provided, single submitter. Criteria: Invitae Variant Classification Sherloc (09022015). Collection method: clinical testing. Allele origin: germline.
Comment: This sequence change replaces glutamic acid, which is acidic and polar, with valine, which is neutral and non-polar, at codon 69 of the FANCF protein (p.Glu69Val). This variant is not present in population databases (gnomAD no frequency). This variant has not been reported in the literature in individuals affected with FANCF-related conditions. Invitae Evidence Modeling of protein sequence and biophysical properties (such as structural, functional, and spatial information, amino acid conservation, physicochemical variation, residue mobility, and thermodynamic stability) indicates that this missense variant is not expected to disrupt FANCF protein function with a negative predictive value of 80%. In summary, the available evidence is currently insufficient to determine the role of this variant in disease. Therefore, it has been classified as a Variant of Uncertain Significance.